The following is an entry in ClinVar:

NM_004104.5(FASN):c.5911C>A (p.Leu1971Met)

Gene: FASN (fatty acid synthase; minus strand). Cytogenetic location: 17q25.3.
Variant type: single nucleotide variant.
Coding change: c.5911C>A on transcript NM_004104.5 (MANE Select); coding-DNA position 5911, C replaced by A.
Protein change: p.Leu1971Met; replaces leucine 1971 with methionine.
Molecular consequence: missense variant.
Genome position (GRCh38, 1-based): chr17:82,082,535, G>T on the plus strand (C>A on the coding strand, the complement: FASN is on the minus strand). VCF-style: chr17-82082535-G-T. GRCh37 (hg19) VCF-style: chr17-80040411-G-T.
Other names: short protein forms L1971M.
Identifiers: ClinVar variation 2850541 (VCV002850541.3), dbSNP rs1469558593, ClinGen allele CA401534855.

ClinVar aggregate classification (germline): Uncertain significance (1 of 4 stars; one submission).

Conditions:
Epileptic encephalopathy. Identifiers: MedGen C0543888, HP:0200134.

Submission:

Labcorp Genetics (formerly Invitae), Labcorp
Classification: Uncertain significance for Epileptic encephalopathy. Last evaluated: 2023-03-28. Review status: criteria provided, single submitter. Criteria: Invitae Variant Classification Sherloc (09022015). Collection method: clinical testing. Allele origin: germline.
Comment: This variant is not present in population databases (gnomAD no frequency). This variant has not been reported in the literature in individuals affected with FASN-related conditions. An algorithm developed to predict the effect of missense changes on protein structure and function (PolyPhen-2) suggests that this variant is likely to be disruptive. This sequence change replaces leucine, which is neutral and non-polar, with methionine, which is neutral and non-polar, at codon 1971 of the FASN protein (p.Leu1971Met). In summary, the available evidence is currently insufficient to determine the role of this variant in disease. Therefore, it has been classified as a Variant of Uncertain Significance.